The following is an entry in ClinVar:

ClinVar aggregate classification (germline): Conflicting classifications of pathogenicity. Review status: criteria provided, conflicting classifications (1 of 4 stars). 9 submissions from 9 submitters: Uncertain significance (8); Likely benign (1). Last evaluated 2026-06-19.

Conditions:
Usher syndrome. Also called: Usher's syndrome; Usher Syndromes. Identifiers: Orphanet 886, MedGen CN469326, MeSH D052245, MONDO:0019501. Disease mechanism: loss of function.

Allele frequency attached by ClinVar (database versions not stated): gnomAD exomes 0.00046 and 0.00065; ExAC 0.00049; gnomAD 0.00050 and 0.00051; TOPMed 0.00053; 1000 Genomes Project 0.00060; ESP Exome Variant Server 0.00077; 1000 Genomes Project 30x 0.00078.
gnomAD v4.1: 1,017 of 1,608,278 alleles (0.063%); highest among the groups gnomAD compares: Non-Finnish European, 0.08%; no homozygotes.

Submissions (9):

Women's Health and Genetics/Laboratory Corporation of America, LabCorp
Classification: Uncertain significance. Last evaluated: 2026-06-19. Review status: criteria provided, single submitter. Criteria: LabCorp Variant Classification Summary - May 2015. Collection method: clinical testing. Allele origin: germline.
Comment: Variant summary: SERPINB6 c.314C>A (p.Ser105Tyr) results in a non-conservative amino acid change in the encoded protein sequence. Algorithms developed to predict the effect of missense changes on protein structure and function are either unavailable or do not agree on the potential impact of this missense change. Consensus agreement among computation tools predict no significant impact on normal splicing. However, these predictions have yet to be confirmed by functional studies. The variant allele was found at a frequency of 0.00046 in 251358 control chromosomes. This frequency is not significantly higher than estimated for disease-causing variants in SERPINB6, allowing no conclusion about variant significance. To our knowledge, no occurrence of c.314C>A in individuals affected with SERPINB6-related conditions and no experimental evidence demonstrating its impact on protein function have been reported. ClinVar contains an entry for this variant (Variation ID: 229240). Based on the evidence outlined above, the variant was classified as uncertain significance.

Blueprint Genetics
Classification: Uncertain significance. Last evaluated: 2024-11-19. Review status: criteria provided, single submitter. Criteria: ACMG Guidelines, 2015. Collection method: clinical testing. Allele origin: germline.

Ambry Genetics
Classification: Uncertain significance. Last evaluated: 2024-04-29. Review status: criteria provided, single submitter. Criteria: Ambry Variant Classification Scheme 2023. Collection method: clinical testing. Allele origin: germline.

Mayo Clinic Laboratories, Mayo Clinic
Classification: Uncertain significance. Last evaluated: 2023-03-22. Review status: criteria provided, single submitter. Criteria: ACMG Guidelines, 2015. Collection method: clinical testing. Allele origin: germline. Observed: 1 variant allele.
Comment: BS1_supporting

Labcorp Genetics (formerly Invitae), Labcorp
Classification: Uncertain significance. Last evaluated: 2022-10-17. Review status: criteria provided, single submitter. Criteria: Invitae Variant Classification Sherloc (09022015). Collection method: clinical testing. Allele origin: germline.
Comment: This sequence change replaces serine, which is neutral and polar, with tyrosine, which is neutral and polar, at codon 105 of the SERPINB6 protein (p.Ser105Tyr). This variant is present in population databases (rs148530934, gnomAD 0.08%), and has an allele count higher than expected for a pathogenic variant. This variant has not been reported in the literature in individuals affected with SERPINB6-related conditions. ClinVar contains an entry for this variant (Variation ID: 229240). Algorithms developed to predict the effect of missense changes on protein structure and function are either unavailable or do not agree on the potential impact of this missense change (SIFT: "Deleterious"; PolyPhen-2: "Probably Damaging"; Align-GVGD: "Class C0"). In summary, the available evidence is currently insufficient to determine the role of this variant in disease. Therefore, it has been classified as a Variant of Uncertain Significance.

CeGaT Center for Human Genetics Tuebingen
Classification: Uncertain significance. Last evaluated: 2022-02-01. Review status: criteria provided, single submitter. Criteria: CeGaT Center For Human Genetics Tuebingen Variant Classification Criteria Version 2. Collection method: clinical testing. Allele origin: germline. Affected: yes. Observed: 1 variant allele.

Department of Otolaryngology – Head & Neck Surgery, Cochlear Implant Center
Classification: Uncertain significance for Usher syndrome. Last evaluated: 2021-04-12. Review status: criteria provided, single submitter. Criteria: ClinGen HL ACMG Specifications v1. Collection method: clinical testing. Allele origin: germline. Affected: yes.
Comment: PM2_Supporting, PP3_Supporting, BP5_Supporting

GeneDx
Classification: Likely benign. Last evaluated: 2020-08-25. Review status: criteria provided, single submitter. Criteria: GeneDx Variant Classification Process June 2021. Collection method: clinical testing. Allele origin: germline. Affected: yes.

Laboratory for Molecular Medicine, Mass General Brigham Personalized Medicine
Classification: Uncertain significance. Last evaluated: 2017-04-13. Review status: criteria provided, single submitter. Criteria: LMM Criteria. Collection method: clinical testing. Allele origin: germline. Observed: 3 variant alleles.
Comment: The p.Ser105Tyr variant in SERPINB6 has been previously reported by our laborato ry in the heterozygous state in two individuals with hearing loss. It has also been identified in 0.1% (102/126684) of European chromosomes by the Genome Aggre gation Database (gnomAD; dbSNP rs148530934). A lthough this variant has been seen in the general population, its frequency is n ot high enough to rule out a pathogenic role. Computational prediction tools and conservation analyses do not provide strong support for or against an impact to the protein. In summary, the clinical significance of the p.Ser105Tyr variant i s uncertain.

NM_004568.6(SERPINB6):c.314C>A (p.Ser105Tyr)

Gene: SERPINB6 (serpin family B member 6; minus strand). Cytogenetic location: 6p25.2.
Variant type: single nucleotide variant.
Coding change: c.314C>A on transcript NM_004568.6 (MANE Select); coding-DNA position 314, C replaced by A.
Protein change: p.Ser105Tyr; replaces serine 105 with tyrosine.
Molecular consequence: missense variant. On other transcripts: non-coding transcript variant (1).
Genome position (GRCh38, 1-based): chr6:2,954,708, G>T on the plus strand (C>A on the coding strand, the complement: SERPINB6 is on the minus strand). VCF-style: chr6-2954708-G-T. GRCh37 (hg19) VCF-style: chr6-2954942-G-T.
Other names: c.326C>A, p.Ser109Tyr (NM_001195291.3, NM_001374515.1); c.356C>A, p.Ser119Tyr (NM_001271822.2); c.371C>A, p.Ser124Tyr (NM_001271823.2); c.314C>A, p.Ser105Tyr (NM_001271824.2, NM_001271825.2, NM_001297699.2 and 2 more transcripts); c.182C>A, p.Ser61Tyr (NM_001374517.1); short protein forms S109Y, S105Y, S119Y, S124Y, S61Y.
Identifiers: ClinVar variation 229240 (VCV000229240.50), dbSNP rs148530934, ClinGen allele CA3617574.